The following is an entry in ClinVar:

ClinVar aggregate classification (germline): Pathogenic/Likely pathogenic. Review status: criteria provided, multiple submitters, no conflicts (2 of 4 stars). 2 submissions from 2 submitters: Pathogenic (1); Likely pathogenic (1). Last evaluated 2026-01-26.

Conditions:
Mucopolysaccharidosis, MPS-III-A (MPS3A). Also called: HEPARAN SULFATE SULFATASE DEFICIENCY; SANFILIPPO SYNDROME A; SULFAMIDASE DEFICIENCY; MPS III A; MPS IIIA (Sanfilippo Syndrome Type A); Mucopolysaccharidosis type IIIA (Sanfilippo A). Identifiers: Orphanet 581, Orphanet 79269, MedGen C0086647, MONDO:0009655, OMIM 252900.

Submissions (2):

Labcorp Genetics (formerly Invitae), Labcorp
Classification: Pathogenic for Mucopolysaccharidosis, MPS-III-A. Last evaluated: 2026-01-26. Review status: criteria provided, single submitter. Criteria: Invitae Variant Classification Sherloc (09022015). Collection method: clinical testing. Allele origin: germline.
Comment: This sequence change affects the initiator codon of the SGSH mRNA. This change may impact translation initiation or efficiency. The next in-frame methionine is located at codon 88. This variant is not present in population databases (gnomAD no frequency). A different variant (c.1A>G) giving rise to the same protein effect has been determined to be pathogenic (PMID: 21204211, 21910976, 22976768). This suggests that this variant is also likely to be causative of disease. ClinVar contains an entry for this variant (Variation ID: 1460119). This variant disrupts a region of the SGSH protein in which other variant(s) (p.Thr79Pro) have been determined to be pathogenic (PMID: 9285796, 11182930; internal data). This suggests that this is a clinically significant region of the protein, and that variants that disrupt it are likely to be disease-causing. For these reasons, this variant has been classified as Pathogenic.

Natera, Inc.
Classification: Likely pathogenic for Mucopolysaccharidosis type IIIA. Last evaluated: 2025-12-15. Review status: criteria provided, single submitter. Criteria: Natera Variant Classification Schema (03/2026). Collection method: clinical testing. Allele origin: germline.
Comment: The c.2T>G variant in SGSH is predicted to result in start loss due to disruption of the initiator methionine. This variant is expected to result in nonsense mediated decay, truncation, or a dysfunctional protein product. This variant is rare in the general population with a frequency below the threshold expected for the associated phenotype(s). Given the available evidence, this variant is classified as Likely Pathogenic.

Literature cited by the submitters: PubMed 21204211 (cited by Labcorp Genetics (formerly Invitae), Labcorp); PubMed 21910976 (cited by Labcorp Genetics (formerly Invitae), Labcorp); PubMed 22976768 (cited by Labcorp Genetics (formerly Invitae), Labcorp); PubMed 9285796 (cited by Labcorp Genetics (formerly Invitae), Labcorp); PubMed 11182930 (cited by Labcorp Genetics (formerly Invitae), Labcorp).

NM_000199.5(SGSH):c.2T>G (p.Met1Arg)

Genes: SGSH (N-sulfoglucosamine sulfohydrolase; minus strand), LOC130061900 (ATAC-STARR-seq lymphoblastoid silent region 9102; plus strand). Cytogenetic location: 17q25.3.
Variant type: single nucleotide variant.
Coding change: c.2T>G on transcript NM_000199.5 (MANE Select); coding-DNA position 2, T replaced by G.
Protein change: p.Met1Arg; changes the start codon (methionine 1).
Molecular consequence: missense variant, initiator codon variant. On other transcripts: non-coding transcript variant (1).
Genome position (GRCh38, 1-based): chr17:80,220,312, A>C on the plus strand (T>G on the coding strand, the complement: SGSH is on the minus strand). VCF-style: chr17-80220312-A-C. GRCh37 (hg19) VCF-style: chr17-78194111-A-C.
Other names: c.2T>G (NM_000199.4); c.2T>G, p.Met1Arg (NM_001352921.3, NM_001352922.2); short protein forms M1R.
Identifiers: ClinVar variation 1460119 (VCV001460119.7), dbSNP rs1488660868, ClinGen allele CA401365706.